The following is an entry in ClinVar:

NM_022124.6(CDH23):c.5920G>A (p.Ala1974Thr)

Gene: CDH23 (cadherin related 23; plus strand). Cytogenetic location: 10q22.1.
Variant type: single nucleotide variant.
Coding change: c.5920G>A on transcript NM_022124.6 (MANE Select); coding-DNA position 5920, G replaced by A.
Protein change: p.Ala1974Thr; replaces alanine 1974 with threonine.
Molecular consequence: missense variant.
Genome position (GRCh38, 1-based): chr10:71,789,039, G>A. VCF-style: chr10-71789039-G-A. GRCh37 (hg19) VCF-style: chr10-73548796-G-A.
Other names: c.5920G>A (NM_022124.5); short protein forms A1974T.
Identifiers: ClinVar variation 2164586 (VCV002164586.4), dbSNP rs1019788678, ClinGen allele CA209460574.

ClinVar aggregate classification (germline): Uncertain significance. Review status: criteria provided, multiple submitters, no conflicts (2 of 4 stars). 2 submissions from 2 submitters: Uncertain significance (2). Last evaluated 2024-05-22.

Conditions:
Inborn genetic diseases. Identifiers: MedGen C0950123, MeSH D030342.

gnomAD v4.1: 7 of 1,492,252 alleles (0.00047%); highest among the groups gnomAD compares: East Asian, 0.0045%; no homozygotes.

Submissions (2):

Labcorp Genetics (formerly Invitae), Labcorp
Classification: Uncertain significance. Last evaluated: 2024-05-22. Review status: criteria provided, single submitter. Criteria: Invitae Variant Classification Sherloc (09022015). Collection method: clinical testing. Allele origin: germline.
Comment: This sequence change replaces alanine, which is neutral and non-polar, with threonine, which is neutral and polar, at codon 1974 of the CDH23 protein (p.Ala1974Thr). This variant is not present in population databases (gnomAD no frequency). This variant has not been reported in the literature in individuals affected with CDH23-related conditions. ClinVar contains an entry for this variant (Variation ID: 2164586). Advanced modeling of protein sequence and biophysical properties (such as structural, functional, and spatial information, amino acid conservation, physicochemical variation, residue mobility, and thermodynamic stability) performed at Invitae indicates that this missense variant is not expected to disrupt CDH23 protein function with a negative predictive value of 95%. In summary, the available evidence is currently insufficient to determine the role of this variant in disease. Therefore, it has been classified as a Variant of Uncertain Significance.

Ambry Genetics
Classification: Uncertain significance for Inborn genetic diseases. Last evaluated: 2022-08-16. Review status: criteria provided, single submitter. Criteria: Ambry Variant Classification Scheme 2023. Collection method: clinical testing. Allele origin: germline.